The following is an entry in ClinVar:

NM_177438.3(DICER1):c.2903T>A (p.Phe968Tyr)

Gene: DICER1 (dicer 1, ribonuclease III; minus strand). Cytogenetic location: 14q32.13.
Variant type: single nucleotide variant.
Coding change: c.2903T>A on transcript NM_177438.3 (MANE Select); coding-DNA position 2903, T replaced by A.
Protein change: p.Phe968Tyr; replaces phenylalanine 968 with tyrosine.
Molecular consequence: missense variant. On other transcripts: non-coding transcript variant (6).
Genome position (GRCh38, 1-based): chr14:95,106,125, A>T on the plus strand (T>A on the coding strand, the complement: DICER1 is on the minus strand). VCF-style: chr14-95106125-A-T. GRCh37 (hg19) VCF-style: chr14-95572462-A-T.
Other names: c.2903T>A, p.Phe968Tyr (NM_001395680.1, NM_001395682.1, NM_001395683.1 and 12 more transcripts); c.2621T>A, p.Phe874Tyr (NM_001395686.1); c.2498T>A, p.Phe833Tyr (NM_001395687.1, NM_001395688.1, NM_001395689.1 and 2 more transcripts); c.2336T>A, p.Phe779Tyr (NM_001395691.1); c.1220T>A, p.Phe407Tyr (NM_001395697.1); short protein forms F407Y, F833Y, F874Y, F968Y, F779Y.
Identifiers: ClinVar variation 4824648 (VCV004824648.1).

ClinVar aggregate classification (germline): Uncertain significance (1 of 4 stars; one submission).

Conditions:
Hereditary cancer-predisposing syndrome. Also called: Neoplastic Syndromes, Hereditary; Hereditary neoplastic syndrome; Tumor predisposition; Hereditary Cancer Syndrome. Identifiers: Orphanet 140162, MedGen C0027672, MeSH D009386, MONDO:0015356.

Submission:

Ambry Genetics
Classification: Uncertain significance for Hereditary cancer-predisposing syndrome. Last evaluated: 2026-02-21. Review status: criteria provided, single submitter. Criteria: Ambry Variant Classification Scheme 2023. Collection method: clinical testing. Allele origin: germline.
Comment: The p.F968Y variant (also known as c.2903T>A), located in coding exon 17 of the DICER1 gene, results from a T to A substitution at nucleotide position 2903. The phenylalanine at codon 968 is replaced by tyrosine, an amino acid with highly similar properties. This amino acid position is conserved. In addition, the in silico prediction for this alteration is inconclusive. Based on the available evidence, the clinical significance of this variant remains unclear.